The following is an entry in ClinVar:

ClinVar aggregate classification (germline): Uncertain significance (1 of 4 stars; one submission).

Submission:

GeneDx
Classification: Uncertain significance. Last evaluated: 2024-05-18. Review status: criteria provided, single submitter. Criteria: GeneDx Variant Classification Process June 2021. Collection method: clinical testing. Allele origin: germline. Affected: yes.
Comment: Not observed at significant frequency in large population cohorts (gnomAD); In silico analysis indicates that this missense variant does not alter protein structure/function; Has not been previously published as pathogenic or benign to our knowledge

NM_012414.4(RAB3GAP2):c.3271A>G (p.Met1091Val)

Gene: RAB3GAP2 (RAB3 GTPase activating non-catalytic protein subunit 2; minus strand). Cytogenetic location: 1q41.
Variant type: single nucleotide variant.
Coding change: c.3271A>G on transcript NM_012414.4 (MANE Select); coding-DNA position 3271, A replaced by G.
Protein change: p.Met1091Val; replaces methionine 1091 with valine.
Molecular consequence: missense variant.
Genome position (GRCh38, 1-based): chr1:220,157,867, T>C on the plus strand (A>G on the coding strand, the complement: RAB3GAP2 is on the minus strand). VCF-style: chr1-220157867-T-C. GRCh37 (hg19) VCF-style: chr1-220331209-T-C.
Other names: short protein forms M1091V.
Identifiers: ClinVar variation 3377857 (VCV003377857.1).